The following is an entry in ClinVar:

NM_001927.4(DES):c.986A>C (p.Gln329Pro)

Gene: DES (desmin; plus strand). Cytogenetic location: 2q35.
Variant type: single nucleotide variant.
Coding change: c.986A>C on transcript NM_001927.4 (MANE Select); coding-DNA position 986, A replaced by C.
Protein change: p.Gln329Pro; replaces glutamine 329 with proline.
Molecular consequence: missense variant.
Genome position (GRCh38, 1-based): chr2:219,420,916, A>C. VCF-style: chr2-219420916-A-C. GRCh37 (hg19) VCF-style: chr2-220285638-A-C.
Other names: c.986A>C (LRG_380t1); short protein forms Q329P.
Identifiers: ClinVar variation 411142 (VCV000411142.9), dbSNP rs1060503168, ClinGen allele CA16610787.

ClinVar aggregate classification (germline): Uncertain significance. Review status: criteria provided, multiple submitters, no conflicts (2 of 4 stars). 2 submissions from 2 submitters: Uncertain significance (2). Last evaluated 2021-12-04.

Conditions:
Desmin-related myofibrillar myopathy (MFM1). Also called: Desminopathy; Desmin related myopathy (former name); Desmin storage myopathy (former name); MYOFIBRILLAR MYOPATHY WITH ARRHYTHMOGENIC RIGHT VENTRICULAR CARDIOMYOPATHY; DESMIN-RELATED MYOPATHY WITH ARRHYTHMOGENIC RIGHT VENTRICULAR CARDIOMYOPATHY; Myofibrillar myopathy 1. Identifiers: Orphanet 363543, Orphanet 98909, MedGen C1832370, MONDO:0011076, OMIM 601419.

Submissions (2):

Labcorp Genetics (formerly Invitae), Labcorp
Classification: Uncertain significance for Desmin-related myofibrillar myopathy. Last evaluated: 2021-12-04. Review status: criteria provided, single submitter. Criteria: Invitae Variant Classification Sherloc (09022015). Collection method: clinical testing. Allele origin: germline.
Comment: ClinVar contains an entry for this variant (Variation ID: 411142). This variant has not been reported in the literature in individuals affected with DES-related conditions. This variant is not present in population databases (gnomAD no frequency). This sequence change replaces glutamine, which is neutral and polar, with proline, which is neutral and non-polar, at codon 329 of the DES protein (p.Gln329Pro). Algorithms developed to predict the effect of missense changes on protein structure and function are either unavailable or do not agree on the potential impact of this missense change (SIFT: "Tolerated"; PolyPhen-2: "Possibly Damaging"; Align-GVGD: "Class C0"). In summary, the available evidence is currently insufficient to determine the role of this variant in disease. Therefore, it has been classified as a Variant of Uncertain Significance.

GeneDx
Classification: Uncertain significance. Last evaluated: 2016-09-12. Review status: criteria provided, single submitter. Criteria: GeneDx Variant Classification (06012015). Collection method: clinical testing. Allele origin: germline. Affected: yes.
Comment: The Q329P variant of uncertain significance in the DES gene has not been published as a pathogenic or benign variant to our knowledge. This variant was not observed in approximately 6,500 individuals of European and African American ancestry in the NHLBI Exome Sequencing Project, indicating it is not a common benign variant in these populations. The Q329P variant is a non-conservative amino acid substitution, which is likely to impact secondary protein structure as these residues differ in polarity, charge, size and/or other properties. This substitution also occurs at a position that is conserved across species. Consequently, in silico analysis predicts this variant is probably damaging to the protein structure/function. Therefore, additional evidence is needed to determine whether the Q329P variant in the DES gene is pathogenic or benign.